The following is an entry in ClinVar:

NM_016139.4(CHCHD2):c.235G>A (p.Ala79Thr)

Gene: CHCHD2 (coiled-coil-helix-coiled-coil-helix domain containing 2; minus strand). Cytogenetic location: 7p11.2.
Variant type: single nucleotide variant.
Coding change: c.235G>A on transcript NM_016139.4 (MANE Select); coding-DNA position 235, G replaced by A.
Protein change: p.Ala79Thr; replaces alanine 79 with threonine.
Molecular consequence: missense variant.
Genome position (GRCh38, 1-based): chr7:56,104,291, C>T on the plus strand (G>A on the coding strand, the complement: CHCHD2 is on the minus strand). VCF-style: chr7-56104291-C-T. GRCh37 (hg19) VCF-style: chr7-56171984-C-T.
Other names: c.235G>A, p.Ala79Thr (NM_001320327.2); short protein forms A79T.
Identifiers: ClinVar variation 2031028 (VCV002031028.4), dbSNP rs200784526, ClinGen allele CA4270553.

ClinVar aggregate classification (germline): Uncertain significance (1 of 4 stars; one submission).

Allele frequency attached by ClinVar (database versions not stated): ExAC 0.00008; TOPMed 0.00008.
gnomAD v4.1: 35 of 1,613,720 alleles (0.0022%); highest among the groups gnomAD compares: Admixed American, 0.03%; no homozygotes.

Submission:

Labcorp Genetics (formerly Invitae), Labcorp
Classification: Uncertain significance. Last evaluated: 2023-11-25. Review status: criteria provided, single submitter. Criteria: Invitae Variant Classification Sherloc (09022015). Collection method: clinical testing. Allele origin: germline.
Comment: This sequence change replaces alanine, which is neutral and non-polar, with threonine, which is neutral and polar, at codon 79 of the CHCHD2 protein (p.Ala79Thr). This variant is present in population databases (rs200784526, gnomAD 0.04%), and has an allele count higher than expected for a pathogenic variant. This variant has not been reported in the literature in individuals affected with CHCHD2-related conditions. ClinVar contains an entry for this variant (Variation ID: 2031028). An algorithm developed to predict the effect of missense changes on protein structure and function (PolyPhen-2) suggests that this variant is likely to be disruptive. In summary, the available evidence is currently insufficient to determine the role of this variant in disease. Therefore, it has been classified as a Variant of Uncertain Significance.